The following is an entry in ClinVar:

ClinVar aggregate classification (germline): Uncertain significance (1 of 4 stars; one submission).

Conditions:
Brugada syndrome 8 (BRGDA8). Identifiers: Orphanet 130, MedGen C2751083, MONDO:0013148, OMIM 613123.

Allele frequency attached by ClinVar (database versions not stated): gnomAD exomes below 0.00001; ExAC 0.00001.
gnomAD v4.1: 5 of 1,614,204 alleles (0.00031%); highest among the groups gnomAD compares: South Asian, 0.0011%; no homozygotes.

Submission:

Labcorp Genetics (formerly Invitae), Labcorp
Classification: Uncertain significance for Brugada syndrome 8. Last evaluated: 2020-02-20. Review status: criteria provided, single submitter. Criteria: Invitae Variant Classification Sherloc (09022015). Collection method: clinical testing. Allele origin: germline.
Comment: In summary, the available evidence is currently insufficient to determine the role of this variant in disease. Therefore, it has been classified as a Variant of Uncertain Significance. Algorithms developed to predict the effect of missense changes on protein structure and function are either unavailable or do not agree on the potential impact of this missense change (SIFT: "Deleterious"; PolyPhen-2: "Not Available"; Align-GVGD: "Class C55"). This variant has not been reported in the literature in individuals with HCN4-related conditions. This variant is present in population databases (rs750638846, ExAC 0.006%). This sequence change replaces alanine with threonine at codon 414 of the HCN4 protein (p.Ala414Thr). The alanine residue is highly conserved and there is a small physicochemical difference between alanine and threonine.

NM_005477.3(HCN4):c.1240G>A (p.Ala414Thr)

Gene: HCN4 (hyperpolarization activated cyclic nucleotide gated potassium channel 4; minus strand). Cytogenetic location: 15q24.1.
Variant type: single nucleotide variant.
Coding change: c.1240G>A on transcript NM_005477.3 (MANE Select); coding-DNA position 1240, G replaced by A.
Protein change: p.Ala414Thr; replaces alanine 414 with threonine.
Molecular consequence: missense variant.
Genome position (GRCh38, 1-based): chr15:73,332,262, C>T on the plus strand (G>A on the coding strand, the complement: HCN4 is on the minus strand). VCF-style: chr15-73332262-C-T. GRCh37 (hg19) VCF-style: chr15-73624603-C-T.
Other names: short protein forms A414T.
Identifiers: ClinVar variation 1024552 (VCV001024552.9), dbSNP rs750638846, ClinGen allele CA7649340.